The following is an entry in ClinVar:

NM_001378120.1(MBD5):c.416C>G (p.Pro139Arg)

Gene: MBD5 (methyl-CpG binding domain protein 5; plus strand). Cytogenetic location: 2q23.1.
Variant type: single nucleotide variant.
Coding change: c.416C>G on transcript NM_001378120.1 (MANE Select); coding-DNA position 416, C replaced by G.
Protein change: p.Pro139Arg; replaces proline 139 with arginine.
Molecular consequence: missense variant.
Genome position (GRCh38, 1-based): chr2:148,468,359, C>G. VCF-style: chr2-148468359-C-G. GRCh37 (hg19) VCF-style: chr2-149225928-C-G.
Other names: c.416C>G, p.Pro139Arg (NM_018328.5); c.416C>G (NM_018328.4); short protein forms P139R.
Identifiers: ClinVar variation 2128153 (VCV002128153.5), dbSNP rs1680657881, ClinGen allele CA348716750.
Genomic context (GRCh38, chr2:148,468,359, plus strand): 5'-TTGAGACTGTTAACAGAATTCTTTTTTTCTCTTTCACATCAGATGCAACTCCAGTAGTAC[C>G]TTCTCGGGCAGCAACTCCAAGATCAGTAAGAAATAAGTCTCATGAAGGAATTACAAATTC-3'
Protein context (NP_001365049.1, residues 129-149): GGGTNATPVV[Pro139Arg]SRAATPRSVR

ClinVar aggregate classification (germline): Uncertain significance. Review status: criteria provided, multiple submitters, no conflicts (2 of 4 stars). 2 submissions from 2 submitters: Uncertain significance (2). Last evaluated 2026-07-03.

Conditions:
Intellectual developmental disorder, autosomal dominant 1. Also called: Intellectual disability, autosomal dominant 1; MBD5 Haploinsufficiency. Identifiers: Orphanet 228402, MedGen C1969562, MONDO:0007974, OMIM 156200.
Inborn genetic diseases. Identifiers: MedGen C0950123, MeSH D030342.

Submissions (2):

Ambry Genetics
Classification: Uncertain significance for Inborn genetic diseases. Last evaluated: 2026-07-03. Review status: criteria provided, single submitter. Criteria: Ambry Variant Classification Scheme 2023. Collection method: clinical testing. Allele origin: germline.

Labcorp Genetics (formerly Invitae), Labcorp
Classification: Uncertain significance for Intellectual developmental disorder, autosomal dominant 1. Last evaluated: 2022-11-03. Review status: criteria provided, single submitter. Criteria: Invitae Variant Classification Sherloc (09022015). Collection method: clinical testing. Allele origin: germline.
Comment: This variant has not been reported in the literature in individuals affected with MBD5-related conditions. This sequence change replaces proline, which is neutral and non-polar, with arginine, which is basic and polar, at codon 139 of the MBD5 protein (p.Pro139Arg). This variant is not present in population databases (gnomAD no frequency). Advanced modeling of protein sequence and biophysical properties (such as structural, functional, and spatial information, amino acid conservation, physicochemical variation, residue mobility, and thermodynamic stability) performed at Invitae indicates that this missense variant is not expected to disrupt MBD5 protein function. In summary, the available evidence is currently insufficient to determine the role of this variant in disease. Therefore, it has been classified as a Variant of Uncertain Significance.